The following is an entry in ClinVar:

ClinVar aggregate classification (germline): Uncertain significance (1 of 4 stars; one submission).

Conditions:
Hereditary pancreatitis (PCTT). Also called: Hereditary chronic pancreatitis; PRSS1-Related Hereditary Pancreatitis. Identifiers: Orphanet 676, MedGen C0238339, MONDO:0008185, OMIM 167800.

Allele frequency attached by ClinVar (database versions not stated): gnomAD exomes below 0.00001.
gnomAD v4.1: 1 of 1,613,980 alleles (0.000062%); highest among the groups gnomAD compares: Non-Finnish European, 0.000085%; no homozygotes.

Submission:

Ambry Genetics
Classification: Uncertain significance for Hereditary pancreatitis. Last evaluated: 2024-04-01. Review status: criteria provided, single submitter. Criteria: Ambry Variant Classification Scheme 2023. Collection method: clinical testing. Allele origin: germline.
Comment: The p.Y119H variant (also known as c.355T>C), located in coding exon 3 of the CPA1 gene, results from a T to C substitution at nucleotide position 355. The tyrosine at codon 119 is replaced by histidine, an amino acid with similar properties. This amino acid position is conserved. In addition, the in silico prediction for this alteration is inconclusive. Since supporting evidence is limited at this time, the clinical significance of this alteration remains unclear.

NM_001868.4(CPA1):c.355T>C (p.Tyr119His)

Gene: CPA1 (carboxypeptidase A1; plus strand). Cytogenetic location: 7q32.2.
Variant type: single nucleotide variant.
Coding change: c.355T>C on transcript NM_001868.4 (MANE Select); coding-DNA position 355, T replaced by C.
Protein change: p.Tyr119His; replaces tyrosine 119 with histidine.
Molecular consequence: missense variant.
Genome position (GRCh38, 1-based): chr7:130,381,837, T>C. VCF-style: chr7-130381837-T-C. GRCh37 (hg19) VCF-style: chr7-130021678-T-C.
Other names: short protein forms Y119H.
Identifiers: ClinVar variation 1732696 (VCV001732696.3), dbSNP rs2536005547, ClinGen allele CA369280453.